The following is an entry in ClinVar:

ClinVar aggregate classification (germline): Likely benign (1 of 4 stars; one submission).

gnomAD v4.1: 19 of 1,614,110 alleles (0.0012%); highest among the groups gnomAD compares: African/African-American, 0.008%; no homozygotes.

Submission:

CeGaT Center for Human Genetics Tuebingen
Classification: Likely benign. Last evaluated: 2026-08-01. Review status: criteria provided, single submitter. Criteria: CeGaT Center For Human Genetics Tuebingen Variant Classification Criteria Version 2. Collection method: clinical testing. Allele origin: germline. Affected: yes. Observed: 1 variant allele.
Comment: RRP12: BP4, BP7

NM_015179.4(RRP12):c.2109C>T (p.Ala703=)

Gene: RRP12 (ribosomal RNA processing 12 homolog; minus strand). Cytogenetic location: 10q24.1.
Variant type: single nucleotide variant.
Coding change: c.2109C>T on transcript NM_015179.4 (MANE Select); coding-DNA position 2109, C replaced by T.
Protein change: p.Ala703=; no amino-acid change (alanine 703 retained).
Molecular consequence: synonymous variant.
Genome position (GRCh38, 1-based): chr10:97,373,118, G>A on the plus strand (C>T on the coding strand, the complement: RRP12 is on the minus strand). VCF-style: chr10-97373118-G-A. GRCh37 (hg19) VCF-style: chr10-99132875-G-A.
Other names: c.1926C>T, p.Ala642= (NM_001145114.1); c.1809C>T, p.Ala603= (NM_001284337.2).
Identifiers: ClinVar variation 5039632 (VCV005039632.1).